The following is an entry in ClinVar:

NM_020066.5(FMN2):c.3075A>C (p.Leu1025=)

Gene: FMN2 (formin 2; plus strand). Cytogenetic location: 1q43.
Variant type: single nucleotide variant.
Coding change: c.3075A>C on transcript NM_020066.5 (MANE Select); coding-DNA position 3075, A replaced by C.
Protein change: p.Leu1025=; no amino-acid change (leucine 1025 retained).
Molecular consequence: synonymous variant. On other transcripts: intron variant (1).
Genome position (GRCh38, 1-based): chr1:240,207,887, A>C. VCF-style: chr1-240207887-A-C. GRCh37 (hg19) VCF-style: chr1-240371187-A-C.
Other names: c.3087A>C, p.Leu1029= (NM_001305424.2); c.1986+19625A>C (NM_001348094.2).
Identifiers: ClinVar variation 4823892 (VCV004823892.4).

ClinVar aggregate classification (germline): Likely benign (1 of 4 stars; one submission).

Submission:

CeGaT Center for Human Genetics Tuebingen
Classification: Likely benign. Last evaluated: 2026-02-01. Review status: criteria provided, single submitter. Criteria: CeGaT Center For Human Genetics Tuebingen Variant Classification Criteria Version 2. Collection method: clinical testing. Allele origin: germline. Affected: yes. Observed: 1 variant allele.
Comment: FMN2: BP4, BP7